The following is an entry in ClinVar:

ClinVar aggregate classification (germline): Uncertain significance (1 of 4 stars; one submission).

Conditions:
Cardiovascular phenotype. Identifiers: MedGen CN230736.

Submission:

Ambry Genetics
Classification: Uncertain significance for Cardiovascular phenotype. Last evaluated: 2023-04-28. Review status: criteria provided, single submitter. Criteria: Ambry Variant Classification Scheme 2023. Collection method: clinical testing. Allele origin: germline.
Comment: The p.H1187R variant (also known as c.3560A>G), located in coding exon 24 of the MYH6 gene, results from an A to G substitution at nucleotide position 3560. The histidine at codon 1187 is replaced by arginine, an amino acid with highly similar properties. This amino acid position is conserved. In addition, the in silico prediction for this alteration is inconclusive. Since supporting evidence is limited at this time, the clinical significance of this alteration remains unclear.

NM_002471.4(MYH6):c.3560A>G (p.His1187Arg)

Gene: MYH6 (myosin heavy chain 6; minus strand). Cytogenetic location: 14q11.2.
Variant type: single nucleotide variant.
Coding change: c.3560A>G on transcript NM_002471.4 (MANE Select); coding-DNA position 3560, A replaced by G.
Protein change: p.His1187Arg; replaces histidine 1187 with arginine.
Molecular consequence: missense variant.
Genome position (GRCh38, 1-based): chr14:23,390,229, T>C on the plus strand (A>G on the coding strand, the complement: MYH6 is on the minus strand). VCF-style: chr14-23390229-T-C. GRCh37 (hg19) VCF-style: chr14-23859438-T-C.
Other names: short protein forms H1187R.
Identifiers: ClinVar variation 2562391 (VCV002562391.2), dbSNP rs2502159708, ClinGen allele CA389005979.
Genomic context (GRCh38, chr14:23,390,229, plus strand): 5'-TCGCCCAGCTCGGCCACGCTGTCGGCGTGCTTCTTGCGCAGGGCCGCGGCAGTGGCCTCG[T>C]GCTGCAGCGTGGCCTCCTCCAGGTCCCGCCGCATCTTCTGGAACTCGGCCTCGCGCTTCT-3'
Protein context (NP_002462.2, residues 1177-1197): RRDLEEATLQ[His1187Arg]EATAAALRKK